The following is an entry in ClinVar:

NM_001846.4(COL4A2):c.610G>A (p.Val204Met)

Gene: COL4A2 (collagen type IV alpha 2 chain; plus strand). Cytogenetic location: 13q34.
Variant type: single nucleotide variant.
Coding change: c.610G>A on transcript NM_001846.4 (MANE Select); coding-DNA position 610, G replaced by A.
Protein change: p.Val204Met; replaces valine 204 with methionine.
Molecular consequence: missense variant.
Genome position (GRCh38, 1-based): chr13:110,430,569, G>A. VCF-style: chr13-110430569-G-A. GRCh37 (hg19) VCF-style: chr13-111082916-G-A.
Other names: short protein forms V204M.
Identifiers: ClinVar variation 1510369 (VCV001510369.6), dbSNP rs959464417, ClinGen allele CA256282433.

ClinVar aggregate classification (germline): Uncertain significance (1 of 4 stars; one submission).

Allele frequency attached by ClinVar (database versions not stated): gnomAD 0.00001; TOPMed 0.00003.
gnomAD v4.1: 5 of 1,614,234 alleles (0.00031%); highest among the groups gnomAD compares: East Asian, 0.0045%; no homozygotes.

Submission:

Labcorp Genetics (formerly Invitae), Labcorp
Classification: Uncertain significance. Last evaluated: 2024-10-22. Review status: criteria provided, single submitter. Criteria: Invitae Variant Classification Sherloc (09022015). Collection method: clinical testing. Allele origin: germline.
Comment: This sequence change replaces valine, which is neutral and non-polar, with methionine, which is neutral and non-polar, at codon 204 of the COL4A2 protein (p.Val204Met). This variant is not present in population databases (gnomAD no frequency). This variant has not been reported in the literature in individuals affected with COL4A2-related conditions. ClinVar contains an entry for this variant (Variation ID: 1510369). Invitae Evidence Modeling of protein sequence and biophysical properties (such as structural, functional, and spatial information, amino acid conservation, physicochemical variation, residue mobility, and thermodynamic stability) indicates that this missense variant is not expected to disrupt COL4A2 protein function with a negative predictive value of 95%. In summary, the available evidence is currently insufficient to determine the role of this variant in disease. Therefore, it has been classified as a Variant of Uncertain Significance.